The following is an entry in ClinVar:

ClinVar aggregate classification (germline): Uncertain significance (1 of 4 stars; one submission).

Conditions:
Emery-Dreifuss muscular dystrophy (EDMD). Also called: Scapuloperoneal syndrome, X-linked (formerly); Humeroperoneal neuromuscular disease, (formerly). Identifiers: Orphanet 261, MedGen C0410189, MONDO:0016830.

gnomAD v4.1: 2 of 1,614,216 alleles (0.00012%); highest among the groups gnomAD compares: Non-Finnish European, 0.00017%; no homozygotes.

Submission:

Labcorp Genetics (formerly Invitae), Labcorp
Classification: Uncertain significance for Emery-Dreifuss muscular dystrophy. Last evaluated: 2024-07-30. Review status: criteria provided, single submitter. Criteria: Invitae Variant Classification Sherloc (09022015). Collection method: clinical testing. Allele origin: germline.
Comment: This sequence change replaces phenylalanine, which is neutral and non-polar, with leucine, which is neutral and non-polar, at codon 207 of the SUN2 protein (p.Phe207Leu). This variant is not present in population databases (gnomAD no frequency). This variant has not been reported in the literature in individuals affected with SUN2-related conditions. An algorithm developed to predict the effect of missense changes on protein structure and function (PolyPhen-2) suggests that this variant is likely to be tolerated. In summary, the available evidence is currently insufficient to determine the role of this variant in disease. Therefore, it has been classified as a Variant of Uncertain Significance.

NM_015374.3(SUN2):c.619T>C (p.Phe207Leu)

Gene: SUN2 (Sad1 and UNC84 domain containing 2; minus strand). Cytogenetic location: 22q13.1.
Variant type: single nucleotide variant.
Coding change: c.619T>C on transcript NM_015374.3 (MANE Select); coding-DNA position 619, T replaced by C.
Protein change: p.Phe207Leu; replaces phenylalanine 207 with leucine.
Molecular consequence: missense variant. On other transcripts: intron variant (2).
Genome position (GRCh38, 1-based): chr22:38,748,779, A>G on the plus strand (T>C on the coding strand, the complement: SUN2 is on the minus strand). VCF-style: chr22-38748779-A-G. GRCh37 (hg19) VCF-style: chr22-39144784-A-G.
Other names: c.619T>C, p.Phe207Leu (NM_001394427.1, NM_001394431.1, NM_001394432.1 and 7 more transcripts); c.682T>C, p.Phe228Leu (NM_001394428.1, NM_001199579.2); c.664T>C, p.Phe222Leu (NM_001394429.1, NM_001394430.1); c.529T>C, p.Phe177Leu (NM_001394438.1); c.481T>C, p.Phe161Leu (NM_001394439.1, NM_001394440.1, NM_001394441.1); c.127T>C, p.Phe43Leu (NM_001394443.1); c.614+987T>C (NM_001394444.1, NM_001394445.1); short protein forms F222L, F228L, F177L, F207L, F161L, F43L.
Identifiers: ClinVar variation 3679678 (VCV003679678.2).